The following is an entry in ClinVar:

NM_016284.5(CNOT1):c.1343+1G>T

Gene: CNOT1 (CCR4-NOT transcription complex subunit 1; minus strand). Cytogenetic location: 16q21.
Variant type: single nucleotide variant.
Coding change: c.1343+1G>T on transcript NM_016284.5 (MANE Select); the canonical splice donor site of the intron after coding-DNA position 1343, G replaced by T.
Molecular consequence: splice donor variant.
Genome position (GRCh38, 1-based): chr16:58,580,632, C>A on the plus strand (G>T on the coding strand, the complement: CNOT1 is on the minus strand). VCF-style: chr16-58580632-C-A. GRCh37 (hg19) VCF-style: chr16-58614536-C-A.
Other names: c.1343+1G>T (NM_001265612.2, NM_206999.3).
Identifiers: ClinVar variation 2430374 (VCV002430374.3), dbSNP rs2544075614, ClinGen allele CA396145837.

ClinVar aggregate classification (germline): Pathogenic (1 of 4 stars; one submission).

Conditions:
Nuerodevelopment disorder.

Submission:

Tianjin Key Laboratory of Birth Defects for Prevention and Treatment, Tianjin Children’s Hospital
Classification: Pathogenic for Nuerodevelopment disorder. Review status: criteria provided, single submitter. Criteria: ACMG Guidelines, 2015. Collection method: clinical testing, in vitro. Allele origin: maternal, not applicable. Affected: yes. Observed: 1 heterozygote.
Comment: CNOT1 is significantly intolerant to loss-of-function (LOF) variation, as indicated in the probability of being loss-of-function intolerant (pLI) score of 1 reported in the gnomAD. Based on the evidence above, the classical donor site c.1343+1G>T variant is eventually classified as “Pathogenic” based on the above sufficient evidence (PM2_Supporting +PS3_Supporting+PVS1) according to the Bayesian framework.